The following is an entry in ClinVar:

ClinVar aggregate classification (germline): Uncertain significance (1 of 4 stars; one submission).

Submission:

Labcorp Genetics (formerly Invitae), Labcorp
Classification: Uncertain significance. Last evaluated: 2024-05-16. Review status: criteria provided, single submitter. Criteria: Invitae Variant Classification Sherloc (09022015). Collection method: clinical testing. Allele origin: germline.
Comment: This sequence change replaces serine, which is neutral and polar, with isoleucine, which is neutral and non-polar, at codon 6 of the DIABLO protein (p.Ser6Ile). This variant is present in population databases (rs761697292, gnomAD 0.006%). This variant has not been reported in the literature in individuals affected with DIABLO-related conditions. An algorithm developed to predict the effect of missense changes on protein structure and function (PolyPhen-2) suggests that this variant is likely to be tolerated. In summary, the available evidence is currently insufficient to determine the role of this variant in disease. Therefore, it has been classified as a Variant of Uncertain Significance.

NM_001371333.1(DIABLO):c.17G>T (p.Ser6Ile)

Genes: DIABLO (diablo IAP-binding mitochondrial protein; minus strand), LOC130009040 (ATAC-STARR-seq lymphoblastoid active region 7211; plus strand). Cytogenetic location: 12q24.31.
Variant type: single nucleotide variant.
Coding change: c.17G>T on transcript NM_001371333.1 (MANE Select); coding-DNA position 17, G replaced by T.
Protein change: p.Ser6Ile; replaces serine 6 with isoleucine.
Molecular consequence: missense variant. On other transcripts: 5 prime UTR variant (3).
Genome position (GRCh38, 1-based): chr12:122,225,998, C>A on the plus strand (G>T on the coding strand, the complement: DIABLO is on the minus strand). VCF-style: chr12-122225998-C-A. GRCh37 (hg19) VCF-style: chr12-122710545-C-A.
Other names: c.-114G>T (NM_138930.3, NM_001278302.1); c.-70G>T (NM_001278303.1); c.17G>T, p.Ser6Ile (NM_001278342.1, NM_019887.6); short protein forms S6I.
Identifiers: ClinVar variation 3668504 (VCV003668504.2).